The following is an entry in ClinVar:

ClinVar aggregate classification (germline): Conflicting classifications of pathogenicity. Review status: criteria provided, conflicting classifications (1 of 4 stars). 5 submissions from 5 submitters: Uncertain significance (4); Likely benign (1). Last evaluated 2026-01-12.

Conditions:
Autosomal dominant nonsyndromic hearing loss 65. Also called: TBC1D24-Related Autosomal Dominant Nonsyndromic Hearing Loss (DFNA); Deafness, autosomal dominant 65. Identifiers: Orphanet 90635, MedGen C3892048, MONDO:0014470, OMIM 616044.
Developmental and epileptic encephalopathy, 1 (DEE1). Also called: X-linked infantile spasms; West's syndrome; Tonic spasms with clustering, arrest of psychomotor development and hypsarrhythmia on EEG; X-Linked Infantile Spasm Syndrome; OHTAHARA SYNDROME, X-LINKED; INFANTILE SPASM SYNDROME, X-LINKED 1. Identifiers: MedGen C3463992, MONDO:0010632, OMIM 308350. Disease mechanism: loss of function.

Allele frequency attached by ClinVar (database versions not stated): gnomAD 0.00005 and 0.00006; TOPMed 0.00006; gnomAD exomes 0.00009; ExAC 0.00011.
gnomAD v4.1: 126 of 1,552,930 alleles (0.0081%); highest among the groups gnomAD compares: Middle Eastern, 0.057%; no homozygotes.

Submissions (5):

Labcorp Genetics (formerly Invitae), Labcorp
Classification: Uncertain significance for Developmental and epileptic encephalopathy, 1; Autosomal dominant nonsyndromic hearing loss 65. Last evaluated: 2026-01-12. Review status: criteria provided, single submitter. Criteria: Invitae Variant Classification Sherloc (09022015). Collection method: clinical testing. Allele origin: germline.
Comment: This sequence change falls in intron 7 of the TBC1D24 gene. It does not directly change the encoded amino acid sequence of the TBC1D24 protein. It affects a nucleotide within the consensus splice site. This variant is present in population databases (rs758013935, gnomAD 0.02%). This variant has not been reported in the literature in individuals affected with TBC1D24-related conditions. ClinVar contains an entry for this variant (Variation ID: 287520). Variants that disrupt the consensus splice site are a relatively common cause of aberrant splicing (PMID: 17576681, 9536098). Algorithms developed to predict the effect of sequence changes on RNA splicing suggest that this variant is not likely to affect RNA splicing. In summary, the available evidence is currently insufficient to determine the role of this variant in disease. Therefore, it has been classified as a Variant of Uncertain Significance.

Women's Health and Genetics/Laboratory Corporation of America, LabCorp
Classification: Uncertain significance. Last evaluated: 2024-08-15. Review status: criteria provided, single submitter. Criteria: LabCorp Variant Classification Summary - May 2015. Collection method: clinical testing. Allele origin: germline.
Comment: Variant summary: TBC1D24 c.1525+6C>T alters a non-conserved nucleotide located close to a canonical splice site and therefore could affect mRNA splicing, leading to a significantly altered protein sequence. Consensus agreement among computation tools predict no significant impact on normal splicing. However, these predictions have yet to be confirmed by functional studies. The variant allele was found at a frequency of 8.7e-05 in 149002 control chromosomes. This frequency is not significantly higher than estimated for a pathogenic variant in TBC1D24 causing TBC1D24-Related Disorders, allowing no conclusion about variant significance. To our knowledge, no occurrence of c.1525+6C>T in individuals affected with TBC1D24-Related Disorders and no experimental evidence demonstrating its impact on protein function have been reported. ClinVar contains an entry for this variant (Variation ID: 287520). Based on the evidence outlined above, the variant was classified as uncertain significance.

CeGaT Center for Human Genetics Tuebingen
Classification: Uncertain significance. Last evaluated: 2024-03-01. Review status: criteria provided, single submitter. Criteria: CeGaT Center For Human Genetics Tuebingen Variant Classification Criteria Version 2. Collection method: clinical testing. Allele origin: germline. Affected: yes. Observed: 1 variant allele.
Comment: TBC1D24: PM2, BP4

GeneDx
Classification: Likely benign. Last evaluated: 2020-08-03. Review status: criteria provided, single submitter. Criteria: GeneDx Variant Classification Process June 2021. Collection method: clinical testing. Allele origin: germline. Affected: yes.

Eurofins Ntd Llc (ga)
Classification: Uncertain significance. Last evaluated: 2016-04-19. Review status: criteria provided, single submitter. Criteria: EGL Classification Definitions 2015. Collection method: clinical testing. Allele origin: germline. Observed: 1 variant allele, 1 heterozygote.

Literature cited by the submitters: PubMed 17576681 (cited by Labcorp Genetics (formerly Invitae), Labcorp); PubMed 9536098 (cited by Labcorp Genetics (formerly Invitae), Labcorp).

NM_001199107.2(TBC1D24):c.1525+6C>T

Gene: TBC1D24 (TBC1 domain family member 24; plus strand). Cytogenetic location: 16p13.3.
Variant type: single nucleotide variant.
Coding change: c.1525+6C>T on transcript NM_001199107.2 (MANE Select); 6 bases into the intron after coding-DNA position 1525, C replaced by T.
Molecular consequence: intron variant.
Genome position (GRCh38, 1-based): chr16:2,500,496, C>T. VCF-style: chr16-2500496-C-T. GRCh37 (hg19) VCF-style: chr16-2550497-C-T.
Other names: c.1507+6C>T (NM_020705.3).
Identifiers: ClinVar variation 287520 (VCV000287520.36), dbSNP rs758013935, ClinGen allele CA7844313.